The following is an entry in ClinVar:

ClinVar aggregate classification (germline): Uncertain significance. Review status: criteria provided, multiple submitters, no conflicts (2 of 4 stars). 16 submissions from 10 submitters: Uncertain significance (16). Last evaluated 2026-09-17.

Conditions:
Basal laminar drusen. Also called: DRUSEN OF BRUCH MEMBRANE; DRUSEN, CUTICULAR; DRUSEN, EARLY ADULT-ONSET, GROUPED. Identifiers: Orphanet 75376, MedGen C0730295, MONDO:0007472, OMIM 126700.
Age related macular degeneration 4. Identifiers: MedGen C1853147, MONDO:0012540, OMIM 610698.
Hemolytic uremic syndrome, atypical, susceptibility to, 1. Also called: AHUS, SUSCEPTIBILITY TO, 1. Identifiers: Orphanet 2134, Orphanet 90038, MedGen C2749604, MONDO:0009335, OMIM 235400. Disease mechanism: Other.
Factor H deficiency (CFHD). Also called: COMPLEMENT FACTOR H DEFICIENCY; CFH DEFICIENCY. Identifiers: Orphanet 200421, MedGen C0398777, MONDO:0012350, OMIM 609814.
Atypical hemolytic-uremic syndrome. Identifiers: Orphanet 2134, MedGen C2931788, MONDO:0016244.
Retinal dystrophy. Also called: Inherited retinal dystrophy. Identifiers: Orphanet 71862, MedGen C0854723, MeSH D058499, MONDO:0019118, HP:0000556.
CFH-Related Dense Deposit Disease / Membranoproliferative Glomerulonephritis Type II. Identifiers: MedGen CN071292.

Allele frequency attached by ClinVar (database versions not stated): gnomAD 0.00004; TOPMed 0.00010.
gnomAD v4.1: 84 of 1,613,218 alleles (0.0052%); highest among the groups gnomAD compares: Middle Eastern, 0.083%; 1 homozygote.

Submissions (16):

Genomenon, Inc
Classification: Uncertain significance for Age related macular degeneration 4; Atypical hemolytic-uremic syndrome; Factor H deficiency. Last evaluated: 2026-09-17. Review status: criteria provided, single submitter. Criteria: Genomenon Sequence Variant Interpretation Standards - Updated. Collection method: curation. Allele origin: germline. Affected: yes.
Comment: CFH p.Ala161Ser (c.481G>T) is a missense variant that changes the amino acid at codon 161 from alanine to serine. This variant has been observed in at least one proband affected with a CFH-related disorder (PMID: 23307876; 34508573; 26501415; 30890598; 35925583; 36246952; 22456601; 20203157; 17599974). Functional studies have been reported (PMID: 33519811; 34189567; 34508573). It is absent or not present at a significant frequency in gnomAD. In conclusion, we classify CFH p.Ala161Ser (c.481G>T) as a variant of uncertain significance.

Women's Health and Genetics/Laboratory Corporation of America, LabCorp
Classification: Uncertain significance. Last evaluated: 2026-05-20. Review status: criteria provided, single submitter. Criteria: LabCorp Variant Classification Summary - May 2015. Collection method: clinical testing. Allele origin: germline.
Comment: Variant summary: CFH c.481G>T (p.Ala161Ser) results in a conservative amino acid change in the encoded protein sequence. Algorithms developed to predict the effect of missense changes on protein structure and function all suggest that this variant is likely to be tolerated. The variant allele was found at a frequency of 9.2e-05 in 251086 control chromosomes in the gnomAD database, including 1 homozygote. This frequency is not significantly higher than estimated for disease-causing variants in CFH, allowing no conclusion about variant significance. c.481G>T has been observed in individuals affected with CFH-related conditions (e.g. Sellier-Leclerc_2007, Servais_2012, Bruel_2017, Doreille_2022, Brocklebank_2023). These reports do not provide unequivocal conclusions about association of the variant with disease. At least two publications report experimental evidence evaluating an impact on protein function (e.g. Wong_2021, Martin Merinero_2021). These results showed no damaging effect of this variant. The following publications have been ascertained in the context of this evaluation (PMID: 37369098, 28596415, 36938085, 34189567, 17599974, 22456601, 33519811). ClinVar contains an entry for this variant (Variation ID: 625915). Based on the evidence outlined above, the variant was classified as uncertain significance.

Mayo Clinic Laboratories, Mayo Clinic
Classification: Uncertain significance. Last evaluated: 2025-11-22. Review status: criteria provided, single submitter. Criteria: ACMG Guidelines, 2015. Collection method: clinical testing. Allele origin: germline. Observed: 2 variant alleles.
Comment: BS3_moderate

Labcorp Genetics (formerly Invitae), Labcorp
Classification: Uncertain significance. Last evaluated: 2025-10-28. Review status: criteria provided, single submitter. Criteria: Invitae Variant Classification Sherloc (09022015). Collection method: clinical testing. Allele origin: germline.
Comment: This sequence change replaces alanine, which is neutral and non-polar, with serine, which is neutral and polar, at codon 161 of the CFH protein (p.Ala161Ser). This variant is present in population databases (rs777300338, gnomAD 0.04%). This missense change has been observed in individual(s) with CFH-related conditions (PMID: 17599974, 20203157, 22456601, 30560448, 34508573, 35925583, 37369098). ClinVar contains an entry for this variant (Variation ID: 625915). An algorithm developed to predict the effect of missense changes on protein structure and function outputs the following: PolyPhen-2: "Benign". The serine amino acid residue is found in multiple mammalian species, which suggests that this missense change does not adversely affect protein function. Experimental studies have shown that this missense change does not substantially affect CFH function (PMID: 33519811, 34189567). In summary, the available evidence is currently insufficient to determine the role of this variant in disease. Therefore, it has been classified as a Variant of Uncertain Significance.

Blueprint Genetics
Classification: Uncertain significance. Last evaluated: 2024-09-24. Review status: criteria provided, single submitter. Criteria: ACMG Guidelines, 2015. Collection method: clinical testing. Allele origin: germline.

Fulgent Genetics
Classification: Uncertain significance for Basal laminar drusen; Hemolytic uremic syndrome, atypical, susceptibility to, 1; Factor H deficiency; Age related macular degeneration 4. Last evaluated: 2024-05-30. Review status: criteria provided, single submitter. Criteria: ACMG Guidelines, 2015. Collection method: clinical testing. Allele origin: germline.

Genome-Nilou Lab
Classification: Uncertain significance for Hemolytic uremic syndrome, atypical, susceptibility to, 1. Last evaluated: 2023-04-11. Review status: criteria provided, single submitter. Criteria: ACMG Guidelines, 2015. Collection method: clinical testing. Allele origin: germline. Affected: no.

Genome-Nilou Lab
Classification: Uncertain significance for Age related macular degeneration 4. Last evaluated: 2023-04-11. Review status: criteria provided, single submitter. Criteria: ACMG Guidelines, 2015. Collection method: clinical testing. Allele origin: germline. Affected: no.

Genome-Nilou Lab
Classification: Uncertain significance for Basal laminar drusen. Last evaluated: 2023-04-11. Review status: criteria provided, single submitter. Criteria: ACMG Guidelines, 2015. Collection method: clinical testing. Allele origin: germline. Affected: no.

Genome-Nilou Lab
Classification: Uncertain significance for Factor H deficiency. Last evaluated: 2023-04-11. Review status: criteria provided, single submitter. Criteria: ACMG Guidelines, 2015. Collection method: clinical testing. Allele origin: germline. Affected: no.

Institute of Human Genetics, Univ. Regensburg, Univ. Regensburg
Classification: Uncertain significance for Retinal dystrophy. Last evaluated: 2023-01-01. Review status: criteria provided, single submitter. Criteria: ACMG Guidelines, 2015. Collection method: clinical testing. Allele origin: germline. Affected: yes.

Illumina Laboratory Services, Illumina
Classification: Uncertain significance for Membranoproliferative glomerulonephritis with complement factor h deficiency. Last evaluated: 2017-04-27. Review status: criteria provided, single submitter. Criteria: ICSL Variant Classification Criteria 13 December 2019. Collection method: clinical testing. Allele origin: germline.
Comment: This variant was observed as part of a predisposition screen in an ostensibly healthy population. A literature search was performed for the gene, cDNA change, and amino acid change (where applicable). Publications were found based on this search. However, the evidence from the literature, in combination with allele frequency data from public databases where available, was not sufficient to rule this variant in or out of causing disease. Therefore, this variant is classified as a variant of unknown significance.

Illumina Laboratory Services, Illumina
Classification: Uncertain significance for Basal laminar drusen. Last evaluated: 2017-04-27. Review status: criteria provided, single submitter. Criteria: ICSL Variant Classification Criteria 13 December 2019. Collection method: clinical testing. Allele origin: germline.

Illumina Laboratory Services, Illumina
Classification: Uncertain significance for Hemolytic uremic syndrome, atypical, susceptibility to, 1. Last evaluated: 2017-04-27. Review status: criteria provided, single submitter. Criteria: ICSL Variant Classification Criteria 13 December 2019. Collection method: clinical testing. Allele origin: germline.

Illumina Laboratory Services, Illumina
Classification: Uncertain significance for Age related macular degeneration 4. Last evaluated: 2017-04-27. Review status: criteria provided, single submitter. Criteria: ICSL Variant Classification Criteria 13 December 2019. Collection method: clinical testing. Allele origin: germline.

Center for Genomics, Ann and Robert H. Lurie Children's Hospital of Chicago
Classification: Uncertain significance for Age related macular degeneration 4; Basal laminar drusen; Factor H deficiency; Hemolytic uremic syndrome, atypical, susceptibility to, 1. Review status: criteria provided, single submitter. Criteria: ACMG Guidelines, 2015. Collection method: clinical testing. Allele origin: germline.
Comment: CFH NM_000186.3 exon 5 p.Ala161Ser (c.481G>T): This variant has been reported in the literature in 3 individuals; 1 with age-related macular degeneration (AMD) and cuticular drusen (CD), 1 with unspecified glomerulopathy, and 1 with Atypical Hemolytic Uremic Syndrome (aHUS). Of note, this variant did not segregate with disease in one affected family member with aHUS. (Sellier-Leclerc 2007 PMID:17599974, Servais 2012 PMID:22456601, Duvvari 2015 PMID: 25814826). This variant is present in 0.04% (14/34582) of Latino alleles in the Genome Aggregation Database. This variant amino acid Serine (Ser) is present in >5 species and is not well conserved among evolutionarily distant species; this suggests that this variant may not impact the protein. Additional computational prediction tools do not suggest an impact. In summary, data on this variant is insufficient for disease classification. Therefore, the clinical significance of this variant is uncertain.

Literature cited by the submitters: PubMed 23307876 (cited by Genomenon, Inc); PubMed 34508573 (cited by 4 submitters); PubMed 26501415 (cited by Genomenon, Inc); PubMed 30890598 (cited by Genomenon, Inc); PubMed 35925583 (cited by 4 submitters); PubMed 36246952 (cited by Genomenon, Inc); PubMed 22456601 (cited by 6 submitters); PubMed 20203157 (cited by Genomenon, Inc and Labcorp Genetics (formerly Invitae), Labcorp); PubMed 17599974 (cited by 5 submitters); PubMed 33519811 (cited by 5 submitters); PubMed 34189567 (cited by 5 submitters); PubMed 36938085 (cited by Women's Health and Genetics/Laboratory Corporation of America, LabCorp and Mayo Clinic Laboratories, Mayo Clinic); PubMed 28596415 (cited by Women's Health and Genetics/Laboratory Corporation of America, LabCorp); PubMed 37369098 (cited by 3 submitters); PubMed 25814826 (cited by Mayo Clinic Laboratories, Mayo Clinic and Institute of Human Genetics, Univ. Regensburg, Univ. Regensburg); PubMed 30476936 (cited by Mayo Clinic Laboratories, Mayo Clinic); PubMed 30560448 (cited by Labcorp Genetics (formerly Invitae), Labcorp).

NM_000186.4(CFH):c.481G>T (p.Ala161Ser)

Gene: CFH (complement factor H; plus strand). Cytogenetic location: 1q31.3.
Variant type: single nucleotide variant.
Coding change: c.481G>T on transcript NM_000186.4 (MANE Select); coding-DNA position 481, G replaced by T.
Protein change: p.Ala161Ser; replaces alanine 161 with serine.
Molecular consequence: missense variant.
Genome position (GRCh38, 1-based): chr1:196,677,529, G>T. VCF-style: chr1-196677529-G-T. GRCh37 (hg19) VCF-style: chr1-196646659-G-T.
Other names: p.Ala161Ser; c.481G>T, p.Ala161Ser (NM_001014975.3); short protein forms A161S.
Identifiers: ClinVar variation 625915 (VCV000625915.20), dbSNP rs777300338, ClinGen allele CA1305074.
Genomic context (GRCh38, chr1:196,677,529, plus strand): 5'-TCTTCAGTTGTGAAGTGTTTACCAGTGACAGCACCAGAGAATGGAAAAATTGTCAGTAGT[G>T]CAATGGAACCAGATCGGGAATACCATTTTGGACAAGCAGTACGGTTTGTATGTAACTCAG-3'
Protein context (NP_000177.2, residues 151-171): APENGKIVSS[Ala161Ser]MEPDREYHFG